The following is an entry in ClinVar:

ClinVar aggregate classification (germline): Uncertain significance (1 of 4 stars; one submission).

gnomAD v4.1: 5 of 1,613,266 alleles (0.00031%); highest among the groups gnomAD compares: Non-Finnish European, 0.00042%; no homozygotes.

Submission:

Labcorp Genetics (formerly Invitae), Labcorp
Classification: Uncertain significance. Last evaluated: 2024-04-05. Review status: criteria provided, single submitter. Criteria: Invitae Variant Classification Sherloc (09022015). Collection method: clinical testing. Allele origin: germline.
Comment: This sequence change replaces alanine, which is neutral and non-polar, with threonine, which is neutral and polar, at codon 1961 of the MYO15A protein (p.Ala1961Thr). This variant is not present in population databases (gnomAD no frequency). This variant has not been reported in the literature in individuals affected with MYO15A-related conditions. ClinVar contains an entry for this variant (Variation ID: 1942522). Advanced modeling of protein sequence and biophysical properties (such as structural, functional, and spatial information, amino acid conservation, physicochemical variation, residue mobility, and thermodynamic stability) performed at Invitae indicates that this missense variant is not expected to disrupt MYO15A protein function with a negative predictive value of 95%. In summary, the available evidence is currently insufficient to determine the role of this variant in disease. Therefore, it has been classified as a Variant of Uncertain Significance.

NM_016239.4(MYO15A):c.5881G>A (p.Ala1961Thr)

Gene: MYO15A (myosin XVA; plus strand). Cytogenetic location: 17p11.2.
Variant type: single nucleotide variant.
Coding change: c.5881G>A on transcript NM_016239.4 (MANE Select); coding-DNA position 5881, G replaced by A.
Protein change: p.Ala1961Thr; replaces alanine 1961 with threonine.
Molecular consequence: missense variant.
Genome position (GRCh38, 1-based): chr17:18,142,811, G>A. VCF-style: chr17-18142811-G-A. GRCh37 (hg19) VCF-style: chr17-18046125-G-A.
Other names: short protein forms A1961T.
Identifiers: ClinVar variation 1942522 (VCV001942522.5), dbSNP rs762564082, ClinGen allele CA398603852.